The following is an entry in ClinVar:

ClinVar aggregate classification (germline): Benign/Likely benign (0 of 4 stars; one submission).

Submission:

ISCA Site 6
Classification: Benign/Likely benign. Review status: no assertion criteria provided. Collection method: clinical testing. Allele origin: unknown. Affected: yes. Observed: 4 variant alleles. Clinical features observed: Developmental delay AND/OR other significant developmental or morphological phenotypes.
Comment: Likely benign (2), Benign (2)

Copy number variation identified through the course of routine clinical cytogenomic testing in postnatal populations, with clinical assertions as classified by the original submitter. For data from the original published study, Kaminsky, et al. 2011 (PubMed 21844811), please see nstd101.

GRCh37/hg19 11p15.5(chr11:1362463-1468991)x3

Gene: BRSK2 (BR serine/threonine kinase 2; plus strand). Cytogenetic location: 11p15.5.
Variant type: copy number gain.
Change: copy number 3 (three copies instead of two) of chr11:1,362,463-1,468,991 (106.5 kb, GRCh37 coordinates, 1-based), cytogenetic band 11p15.5.
Identifiers: ClinVar variation 393917 (VCV000393917.3).